The following is an entry in ClinVar:

ClinVar aggregate classification (germline): Likely pathogenic (1 of 4 stars; one submission).

Conditions:
Hereditary cancer-predisposing syndrome. Also called: Neoplastic Syndromes, Hereditary; Tumor predisposition; Hereditary Cancer Syndrome; Hereditary neoplastic syndrome. Identifiers: Orphanet 140162, MedGen C0027672, MeSH D009386, MONDO:0015356.

Submission:

Ambry Genetics
Classification: Likely pathogenic for Hereditary cancer-predisposing syndrome. Last evaluated: 2016-04-04. Review status: criteria provided, single submitter. Criteria: Ambry Variant Classification Scheme 2023. Collection method: clinical testing. Allele origin: germline.
Comment: The c.402_428del27 variant, located in coding exon 2 of the VHL gene, results from a deletion of 27 nucleotides between positions 402 and 428, resulting in a glutamate to aspartate substitution at codon 134 and the deletion of 9 amino acids between positions 135 and 143. This exact alteration has not been described in the literature, however, several missense alterations in the deleted region have been reported in individuals with von Hippel-Lindau disease (Crossey P et al. Hum. Mol. Genet. 1994 Aug; 3(8):1303-8, Neumann H et al. N. Engl. J. Med. 2002 May; 346(19):1459-66. Leonardi E et al. Ann. Hum. Genet. 2011 Jul; 75(4):483-96, Hwang S et al. J. Hum. Genet. 2014 Sep; 59(9):488-93). This variant was not reported in population based cohorts in the following databases: Database of Single Nucleotide Polymorphisms (dbSNP), NHLBI Exome Sequencing Project (ESP), and 1000 Genomes Project. In the ESP, this variant was not observed in 6503 samples (13006 alleles) with coverage at this position. Based on protein sequence alignment, codons 134-143 are well conserved in vertebrate species. In addition, the PROVEAN in silico prediction tool for indels predicts this deletion to be highly deleterious (Choi Y et al. PLoS ONE 2012; 7(10):e46688). Based on the majority of available evidence to date, this variant is likely to be pathogenic.

Literature cited by the submitters: PubMed 12000816; PubMed 21463266; PubMed 23056405; PubMed 25078357; PubMed 7987306.

NM_000551.4(VHL):c.402_428del (p.Glu134_Val142del)

Genes: VHL (von Hippel-Lindau tumor suppressor; plus strand), LOC107303340 (3p25 von Hippel-Lindau tumor suppressor, E3 ubiquitin protein ligase Alu-mediated recombination region; plus strand). Cytogenetic location: 3p25.3.
Variant type: Deletion.
Coding change: c.402_428del on transcript NM_000551.4 (MANE Select); coding-DNA positions 402 to 428, 27 bases deleted (ATTATTTGTGCCATCTCTCAATGTTGA).
Protein change: p.Glu134_Val142del.
Molecular consequence: inframe deletion. On other transcripts: intron variant (2).
Genome position (GRCh38, 1-based): chr3:10,146,575-10,146,601, ATTATTTGTGCCATCTCTCAATGTTGA deleted; deleting any 27 consecutive bases within chr3:10,146,572-10,146,601 gives the same sequence; the c. name uses the placement nearest the transcript's 3' end. VCF-style (leftmost placement, unchanged base first): chr3-10146571-CTGAATTATTTGTGCCATCTCTCAATGT-C. GRCh37 (hg19) VCF-style: chr3-10188255-CTGAATTATTTGTGCCATCTCTCAATGT-C.
Other names: c.*18-3212_*18-3186del (NM_001354723.2); c.341-3212_341-3186del (NM_198156.3).
Identifiers: ClinVar variation 1737106 (VCV001737106.2), dbSNP rs2470165274, ClinGen allele CA2573320387.